The following is an entry in ClinVar:

ClinVar aggregate classification (germline): Uncertain significance (1 of 4 stars; one submission).

Conditions:
Inborn genetic diseases. Identifiers: MedGen C0950123, MeSH D030342.

Submission:

Ambry Genetics
Classification: Uncertain significance for Inborn genetic diseases. Last evaluated: 2021-01-20. Review status: criteria provided, single submitter. Criteria: Ambry Variant Classification Scheme 2023. Collection method: clinical testing. Allele origin: germline.
Comment: The c.470C>T (p.T157I) alteration is located in exon 4 (coding exon 3) of the PNKP gene. This alteration results from a C to T substitution at nucleotide position 470, causing the threonine (T) at amino acid position 157 to be replaced by an isoleucine (I). The p.T157I alteration is predicted to be tolerated by in silico analysis. Based on insufficient or conflicting evidence, the clinical significance of this alteration remains unclear.

NM_007254.4(PNKP):c.470C>T (p.Thr157Ile)

Gene: PNKP (polynucleotide kinase 3'-phosphatase; minus strand). Cytogenetic location: 19q13.33.
Variant type: single nucleotide variant.
Coding change: c.470C>T on transcript NM_007254.4 (MANE Select); coding-DNA position 470, C replaced by T.
Protein change: p.Thr157Ile; replaces threonine 157 with isoleucine.
Molecular consequence: missense variant.
Genome position (GRCh38, 1-based): chr19:49,865,155, G>A on the plus strand (C>T on the coding strand, the complement: PNKP is on the minus strand). VCF-style: chr19-49865155-G-A. GRCh37 (hg19) VCF-style: chr19-50368412-G-A.
Other names: short protein forms T157I.
Identifiers: ClinVar variation 2228802 (VCV002228802.2), dbSNP rs201553485, ClinGen allele CA406888359.